The following is an entry in ClinVar:

NM_005591.4(MRE11):c.692A>G (p.Glu231Gly)

Gene: MRE11 (MRE11 double strand break repair nuclease; minus strand). Cytogenetic location: 11q21.
Variant type: single nucleotide variant.
Coding change: c.692A>G on transcript NM_005591.4 (MANE Select); coding-DNA position 692, A replaced by G.
Protein change: p.Glu231Gly; replaces glutamic acid 231 with glycine.
Molecular consequence: missense variant.
Genome position (GRCh38, 1-based): chr11:94,471,727, T>C on the plus strand (A>G on the coding strand, the complement: MRE11 is on the minus strand). VCF-style: chr11-94471727-T-C. GRCh37 (hg19) VCF-style: chr11-94204893-T-C.
Other names: c.692A>G, p.Glu231Gly (NM_001330347.2, NM_005590.4); short protein forms E231G.
Identifiers: ClinVar variation 483606 (VCV000483606.7), dbSNP rs1555013177, ClinGen allele CA382375896.

ClinVar aggregate classification (germline): Uncertain significance. Review status: criteria provided, multiple submitters, no conflicts (2 of 4 stars). 2 submissions from 2 submitters: Uncertain significance (2). Last evaluated 2024-03-04.

Conditions:
Hereditary cancer-predisposing syndrome. Also called: Neoplastic Syndromes, Hereditary; Tumor predisposition; Hereditary Cancer Syndrome; Hereditary neoplastic syndrome. Identifiers: Orphanet 140162, MedGen C0027672, MeSH D009386, MONDO:0015356.
Ataxia-telangiectasia-like disorder (ATLD). Identifiers: MedGen C1858391, MONDO:0011457.

Allele frequency attached by ClinVar (database versions not stated): TOPMed below 0.00001; gnomAD exomes 0.00001.
gnomAD v4.1: 8 of 1,612,394 alleles (0.0005%); highest among the groups gnomAD compares: Non-Finnish European, 0.00068%; no homozygotes.

Submissions (2):

Labcorp Genetics (formerly Invitae), Labcorp
Classification: Uncertain significance for Ataxia-telangiectasia-like disorder. Last evaluated: 2024-03-04. Review status: criteria provided, single submitter. Criteria: Invitae Variant Classification Sherloc (09022015). Collection method: clinical testing. Allele origin: germline.
Comment: This sequence change replaces glutamic acid, which is acidic and polar, with glycine, which is neutral and non-polar, at codon 231 of the MRE11 protein (p.Glu231Gly). This variant is not present in population databases (gnomAD no frequency). This variant has not been reported in the literature in individuals affected with MRE11-related conditions. ClinVar contains an entry for this variant (Variation ID: 483606). An algorithm developed to predict the effect of missense changes on protein structure and function (PolyPhen-2) suggests that this variant is likely to be disruptive. In summary, the available evidence is currently insufficient to determine the role of this variant in disease. Therefore, it has been classified as a Variant of Uncertain Significance.

Ambry Genetics
Classification: Uncertain significance for Hereditary cancer-predisposing syndrome. Last evaluated: 2022-04-21. Review status: criteria provided, single submitter. Criteria: Ambry Variant Classification Scheme 2023. Collection method: clinical testing. Allele origin: germline.
Comment: The p.E231G variant (also known as c.692A>G), located in coding exon 7 of the MRE11A gene, results from an A to G substitution at nucleotide position 692. The glutamic acid at codon 231 is replaced by glycine, an amino acid with similar properties. This amino acid position is highly conserved in available vertebrate species. In addition, this alteration is predicted to be deleterious by in silico analysis. Since supporting evidence is limited at this time, the clinical significance of this alteration remains unclear.